The following is an entry in ClinVar:

ClinVar aggregate classification (germline): Uncertain significance. Review status: criteria provided, multiple submitters, no conflicts (2 of 4 stars). 3 submissions from 3 submitters: Uncertain significance (3). Last evaluated 2026-07-06.

Conditions:
Familial thoracic aortic aneurysm and aortic dissection (TAAD). Also called: Thoracic aortic aneurysms and dissections. Identifiers: Orphanet 91387, MedGen C4707243, MONDO:0019625.
Marfan syndrome (MFS). Also called: Marfan's syndrome; Marfan syndrome, classic; Marfan syndrome type 1; MARFAN SYNDROME, TYPE I; FBN1-Related Marfan Syndrome. Identifiers: Orphanet 284963, Orphanet 558, MedGen C0024796, MONDO:0007947, OMIM 154700.

Allele frequency attached by ClinVar (database versions not stated): gnomAD exomes below 0.00001; TOPMed below 0.00001.
gnomAD v4.1: 1 of 1,614,074 alleles (0.000062%); highest among the groups gnomAD compares: Non-Finnish European, 0.000085%; no homozygotes.

Submissions (3):

Ambry Genetics
Classification: Uncertain significance for Familial thoracic aortic aneurysm and aortic dissection. Last evaluated: 2026-07-06. Review status: criteria provided, single submitter. Criteria: Ambry Variant Classification Scheme 2023. Collection method: clinical testing. Allele origin: germline.
Comment: The p.P1506A variant (also known as c.4516C>G), located in coding exon 36 of the FBN1 gene, results from a C to G substitution at nucleotide position 4516. The proline at codon 1506 is replaced by alanine, an amino acid with highly similar properties. This amino acid position is conserved. In addition, this alteration is predicted to be tolerated by in silico analysis. Based on the available evidence, the clinical significance of this variant remains unclear.

All of Us Research Program, National Institutes of Health
Classification: Uncertain significance for Marfan syndrome. Last evaluated: 2023-07-10. Review status: criteria provided, single submitter. Criteria: ACMG Guidelines, 2015. Collection method: clinical testing. Allele origin: germline. Inheritance: Autosomal dominant inheritance. Observed: 1 variant allele, 1 heterozygote.
Comment: This missense variant replaces proline with alanine at codon 1506 of the FBN1 protein. Computational prediction suggests that this variant may not impact protein structure and function (internally defined REVEL score threshold <= 0.5, PMID: 27666373). To our knowledge, functional studies have not been reported for this variant. This variant has not been reported in individuals affected with FBN1-related disorders in the literature. This variant has not been identified in the general population by the Genome Aggregation Database (gnomAD). The available evidence is insufficient to determine the role of this variant in disease conclusively. Therefore, this variant is classified as a Variant of Uncertain Significance.

This study involves interpretation of variants in research participants for the purpose of population health screening. Participant phenotype was not available at the time of variant classification. Additional details can be found in publication PMID: 35346344, PMCID: PMC8962531

Labcorp Genetics (formerly Invitae), Labcorp
Classification: Uncertain significance for Marfan syndrome; Familial thoracic aortic aneurysm and aortic dissection. Last evaluated: 2021-01-31. Review status: criteria provided, single submitter. Criteria: Invitae Variant Classification Sherloc (09022015). Collection method: clinical testing. Allele origin: germline.
Comment: In summary, the available evidence is currently insufficient to determine the role of this variant in disease. Therefore, it has been classified as a Variant of Uncertain Significance. Advanced modeling of protein sequence and biophysical properties (such as structural, functional, and spatial information, amino acid conservation, physicochemical variation, residue mobility, and thermodynamic stability) performed at Invitae indicates that this missense variant is not expected to disrupt FBN1 protein function. This variant has not been reported in the literature in individuals with FBN1-related conditions. This variant is not present in population databases (ExAC no frequency). This sequence change replaces proline with alanine at codon 1506 of the FBN1 protein (p.Pro1506Ala). The proline residue is moderately conserved and there is a small physicochemical difference between proline and alanine.

NM_000138.5(FBN1):c.4516C>G (p.Pro1506Ala)

Gene: FBN1 (fibrillin 1; minus strand). Cytogenetic location: 15q21.1.
Variant type: single nucleotide variant.
Coding change: c.4516C>G on transcript NM_000138.5 (MANE Select); coding-DNA position 4516, C replaced by G.
Protein change: p.Pro1506Ala; replaces proline 1506 with alanine.
Molecular consequence: missense variant.
Genome position (GRCh38, 1-based): chr15:48,468,478, G>C on the plus strand (C>G on the coding strand, the complement: FBN1 is on the minus strand). VCF-style: chr15-48468478-G-C. GRCh37 (hg19) VCF-style: chr15-48760675-G-C.
Other names: c.4516C>G (NM_000138.4); short protein forms P1506A.
Identifiers: ClinVar variation 1406254 (VCV001406254.10), dbSNP rs794728224, ClinGen allele CA269552369.
Genomic context (GRCh38, chr15:48,468,478, plus strand): 5'-AGCCAACTCGAGTTGGGTTCAGTTCAAAATCAGGTGGGCAGTCACAGATATAGCTGCCTG[G>C]AGTGTTGACACAGTTCCCACTGATGCACGTGGTTGGATCCAGGCATTCATTCACATCTAA-3'
Protein context (NP_000129.3, residues 1496-1516): TCISGNCVNT[Pro1506Ala]GSYICDCPPD